The following is an entry in ClinVar:

ClinVar aggregate classification (germline): Uncertain significance (1 of 4 stars; one submission).

Allele frequency attached by ClinVar (database versions not stated): gnomAD exomes below 0.00001.
gnomAD v4.1: 4 of 1,614,110 alleles (0.00025%); highest among the groups gnomAD compares: Non-Finnish European, 0.00034%; no homozygotes.

Submission:

Labcorp Genetics (formerly Invitae), Labcorp
Classification: Uncertain significance. Last evaluated: 2023-11-28. Review status: criteria provided, single submitter. Criteria: Invitae Variant Classification Sherloc (09022015). Collection method: clinical testing. Allele origin: germline.
Comment: This sequence change replaces glycine, which is neutral and non-polar, with cysteine, which is neutral and slightly polar, at codon 1461 of the LAMC3 protein (p.Gly1461Cys). This variant is present in population databases (no rsID available, gnomAD 0.0009%). This variant has not been reported in the literature in individuals affected with LAMC3-related conditions. ClinVar contains an entry for this variant (Variation ID: 1377567). An algorithm developed to predict the effect of missense changes on protein structure and function (PolyPhen-2) suggests that this variant is likely to be disruptive. In summary, the available evidence is currently insufficient to determine the role of this variant in disease. Therefore, it has been classified as a Variant of Uncertain Significance.

NM_006059.4(LAMC3):c.4381G>T (p.Gly1461Cys)

Gene: LAMC3 (laminin subunit gamma 3; plus strand). Cytogenetic location: 9q34.12.
Variant type: single nucleotide variant.
Coding change: c.4381G>T on transcript NM_006059.4 (MANE Select); coding-DNA position 4381, G replaced by T.
Protein change: p.Gly1461Cys; replaces glycine 1461 with cysteine.
Molecular consequence: missense variant.
Genome position (GRCh38, 1-based): chr9:131,087,721, G>T. VCF-style: chr9-131087721-G-T. GRCh37 (hg19) VCF-style: chr9-133963108-G-T.
Other names: short protein forms G1461C.
Identifiers: ClinVar variation 1377567 (VCV001377567.6), dbSNP rs752020155, ClinGen allele CA375265886.